The following is an entry in ClinVar:

ClinVar aggregate classification (germline): Uncertain significance (1 of 4 stars; one submission).

Submission:

Labcorp Genetics (formerly Invitae), Labcorp
Classification: Uncertain significance. Last evaluated: 2025-04-17. Review status: criteria provided, single submitter. Criteria: Invitae Variant Classification Sherloc (09022015). Collection method: clinical testing. Allele origin: germline.
Comment: This sequence change replaces cysteine, which is neutral and slightly polar, with serine, which is neutral and polar, at codon 945 of the NRIP1 protein (p.Cys945Ser). This variant is not present in population databases (gnomAD no frequency). This variant has not been reported in the literature in individuals affected with NRIP1-related conditions. ClinVar contains an entry for this variant (Variation ID: 2962321). An algorithm developed to predict the effect of missense changes on protein structure and function (PolyPhen-2) suggests that this variant is likely to be disruptive. In summary, the available evidence is currently insufficient to determine the role of this variant in disease. Therefore, it has been classified as a Variant of Uncertain Significance.

NM_003489.4(NRIP1):c.2834G>C (p.Cys945Ser)

Gene: NRIP1 (nuclear receptor interacting protein 1; minus strand). Cytogenetic location: 21q11.2.
Variant type: single nucleotide variant.
Coding change: c.2834G>C on transcript NM_003489.4 (MANE Select); coding-DNA position 2834, G replaced by C.
Protein change: p.Cys945Ser; replaces cysteine 945 with serine.
Molecular consequence: missense variant.
Genome position (GRCh38, 1-based): chr21:14,965,359, C>G on the plus strand (G>C on the coding strand, the complement: NRIP1 is on the minus strand). VCF-style: chr21-14965359-C-G. GRCh37 (hg19) VCF-style: chr21-16337680-C-G.
Other names: short protein forms C945S.
Identifiers: ClinVar variation 2962321 (VCV002962321.3), dbSNP rs1353386724, ClinGen allele CA409827005.